The following is an entry in ClinVar:

NM_003742.4(ABCB11):c.151-2A>G

Gene: ABCB11 (ATP binding cassette subfamily B member 11; minus strand). Cytogenetic location: 2q31.1.
Variant type: single nucleotide variant.
Coding change: c.151-2A>G on transcript NM_003742.4 (MANE Select); the canonical splice acceptor site of the intron before coding-DNA position 151, A replaced by G.
Molecular consequence: splice acceptor variant.
Genome position (GRCh38, 1-based): chr2:169,013,512, T>C on the plus strand (A>G on the coding strand, the complement: ABCB11 is on the minus strand). VCF-style: chr2-169013512-T-C. GRCh37 (hg19) VCF-style: chr2-169870022-T-C.
Identifiers: ClinVar variation 2717569 (VCV002717569.3), dbSNP rs2545485315, ClinGen allele CA349105962.

ClinVar aggregate classification (germline): Likely pathogenic (1 of 4 stars; one submission).

Submission:

Labcorp Genetics (formerly Invitae), Labcorp
Classification: Likely pathogenic. Last evaluated: 2023-06-16. Review status: criteria provided, single submitter. Criteria: Invitae Variant Classification Sherloc (09022015). Collection method: clinical testing. Allele origin: germline.
Comment: In summary, the currently available evidence indicates that the variant is pathogenic, but additional data are needed to prove that conclusively. Therefore, this variant has been classified as Likely Pathogenic. Algorithms developed to predict the effect of sequence changes on RNA splicing suggest that this variant may disrupt the consensus splice site. This variant has not been reported in the literature in individuals affected with ABCB11-related conditions. This variant is not present in population databases (gnomAD no frequency). This sequence change affects an acceptor splice site in intron 4 of the ABCB11 gene. It is expected to disrupt RNA splicing. Variants that disrupt the donor or acceptor splice site typically lead to a loss of protein function (PMID: 16199547), and loss-of-function variants in ABCB11 are known to be pathogenic (PMID: 18395098, 20232290).

Literature cited by the submitters: PubMed 16199547; PubMed 18395098; PubMed 20232290.